The following is an entry in ClinVar:

NM_018979.4(WNK1):c.60G>T (p.Pro20=)

Gene: WNK1 (WNK lysine deficient protein kinase 1; plus strand). Cytogenetic location: 12p13.33.
Variant type: single nucleotide variant.
Coding change: c.60G>T on transcript NM_018979.4 (MANE Select); coding-DNA position 60, G replaced by T.
Protein change: p.Pro20=; no amino-acid change (proline 20 retained).
Molecular consequence: synonymous variant.
Genome position (GRCh38, 1-based): chr12:753,625, G>T. VCF-style: chr12-753625-G-T. GRCh37 (hg19) VCF-style: chr12-862791-G-T.
Other names: c.60G>T (NM_018979.3); c.60G>T, p.Pro20= (NM_001184985.2, NM_014823.3, NM_213655.5).
Identifiers: ClinVar variation 1119329 (VCV001119329.10), dbSNP rs72647368, ClinGen allele CA6381708.
Genomic context (GRCh38, chr12:753,625, plus strand): 5'-CATGTCTGGCGGCGCCGCAGAGAAGCAGAGCAGCACTCCCGGTTCCCTGTTCCTCTCGCC[G>T]CCGGCTCCTGCCCCCAAGAATGGCTCCAGCTCCGATTCCTCCGTGGGGGAGAAACTGGGA-3'
Protein context (NP_061852.3, residues 10-30): SSTPGSLFLS[Pro20=]PAPAPKNGSS

ClinVar aggregate classification (germline): Likely benign. Review status: criteria provided, multiple submitters, no conflicts (2 of 4 stars). 2 submissions from 2 submitters: Likely benign (2). Last evaluated 2025-03-20.

Conditions:
WNK1-related disorder. Also called: WNK1-related condition.
Neuropathy, hereditary sensory and autonomic, type 2A (HSAN2A). Also called: ACROOSTEOLYSIS, GIACCAI TYPE; ACROOSTEOLYSIS, NEUROGENIC; MORVAN DISEASE; NEUROPATHY, CONGENITAL SENSORY; NEUROPATHY, HEREDITARY SENSORY RADICULAR, AUTOSOMAL RECESSIVE; NEUROPATHY, HEREDITARY SENSORY, TYPE IIA. Identifiers: Orphanet 970, MedGen C2752089, MONDO:0024309, OMIM 201300.
Pseudohypoaldosteronism type 2C (PHA2C). Also called: Pseudohypoaldosteronism Type IIC. Identifiers: Orphanet 757, Orphanet 88940, MedGen C1840391, MONDO:0013778, OMIM 614492.

Allele frequency attached by ClinVar (database versions not stated): ESP Exome Variant Server 0.00008.
gnomAD v4.1: 65 of 1,612,650 alleles (0.004%); highest among the groups gnomAD compares: African/African-American, 0.071%; no homozygotes.

Submissions (2):

PreventionGenetics, part of Exact Sciences
Classification: Likely benign for WNK1-related condition. Last evaluated: 2025-03-20. Review status: criteria provided, single submitter. Criteria: ACMG Guidelines, 2015. Collection method: clinical testing. Allele origin: germline.
Comment: This variant is classified as likely benign based on ACMG/AMP sequence variant interpretation guidelines (Richards et al. 2015 PMID: 25741868, with internal and published modifications).

Labcorp Genetics (formerly Invitae), Labcorp
Classification: Likely benign for Neuropathy, hereditary sensory and autonomic, type 2A; Pseudohypoaldosteronism type 2C. Last evaluated: 2024-03-26. Review status: criteria provided, single submitter. Criteria: Invitae Variant Classification Sherloc (09022015). Collection method: clinical testing. Allele origin: germline.